The following is an entry in ClinVar:

ClinVar aggregate classification (germline): Uncertain significance (1 of 4 stars; one submission).

Conditions:
Hereditary cancer-predisposing syndrome. Also called: Tumor predisposition; Hereditary Cancer Syndrome; Neoplastic Syndromes, Hereditary; Hereditary neoplastic syndrome. Identifiers: Orphanet 140162, MedGen C0027672, MeSH D009386, MONDO:0015356.

Submission:

Ambry Genetics
Classification: Uncertain significance for Hereditary cancer-predisposing syndrome. Last evaluated: 2019-01-03. Review status: criteria provided, single submitter. Criteria: Ambry Variant Classification Scheme 2023. Collection method: clinical testing. Allele origin: germline.
Comment: The p.S88W variant (also known as c.263C>G), located in coding exon 5 of the SDHC gene, results from a C to G substitution at nucleotide position 263. The serine at codon 88 is replaced by tryptophan, an amino acid with highly dissimilar properties. This amino acid position is well conserved in available vertebrate species. In addition, the in silico prediction for this alteration is inconclusive. Since supporting evidence is limited at this time, the clinical significance of this alteration remains unclear.

NM_003001.5(SDHC):c.263C>G (p.Ser88Trp)

Gene: SDHC (succinate dehydrogenase complex subunit C; plus strand). Cytogenetic location: 1q23.3.
Variant type: single nucleotide variant.
Coding change: c.263C>G on transcript NM_003001.5 (MANE Select); coding-DNA position 263, C replaced by G.
Protein change: p.Ser88Trp; replaces serine 88 with tryptophan.
Molecular consequence: missense variant. On other transcripts: non-coding transcript variant (1), intron variant (3).
Genome position (GRCh38, 1-based): chr1:161,356,698, C>G. VCF-style: chr1-161356698-C-G. GRCh37 (hg19) VCF-style: chr1-161326488-C-G.
Other names: c.161C>G, p.Ser54Trp (NM_001035512.3); c.104C>G, p.Ser35Trp (NM_001035513.3); c.383C>G, p.Ser128Trp (NM_001407115.1); c.206C>G, p.Ser69Trp (NM_001407116.1); c.200C>G, p.Ser67Trp (NM_001407117.1); c.155C>G, p.Ser52Trp (NM_001407118.1); c.152C>G, p.Ser51Trp (NM_001407119.1, NM_001407120.1); c.242-5631C>G (NM_001035511.3); and 2 more; short protein forms S54W, S35W, S88W, S128W, S52W, S67W, S51W, S69W.
Identifiers: ClinVar variation 821603 (VCV000821603.5), dbSNP rs778212096, ClinGen allele CA343456283.